The following is an entry in ClinVar:

NM_144670.6(A2ML1):c.2276C>T (p.Ala759Val)

Gene: A2ML1 (alpha-2-macroglobulin like 1; plus strand). Cytogenetic location: 12p13.31.
Variant type: single nucleotide variant.
Coding change: c.2276C>T on transcript NM_144670.6 (MANE Select); coding-DNA position 2276, C replaced by T.
Protein change: p.Ala759Val; replaces alanine 759 with valine.
Molecular consequence: missense variant.
Genome position (GRCh38, 1-based): chr12:8,851,825, C>T. VCF-style: chr12-8851825-C-T. GRCh37 (hg19) VCF-style: chr12-9004421-C-T.
Other names: c.2276C>T (NM_144670.5, NM_144670.3); c.803C>T, p.Ala268Val (NM_001282424.3); short protein forms A268V, A759V.
Identifiers: ClinVar variation 1036159 (VCV001036159.15), dbSNP rs774472456, ClinGen allele CA6435976.

ClinVar aggregate classification (germline): Uncertain significance. Review status: criteria provided, multiple submitters, no conflicts (2 of 4 stars). 4 submissions from 4 submitters: Uncertain significance (3). 1 of the submissions does not count toward it. Last evaluated 2025-11-05.

Conditions:
A2ML1-related disorder. Also called: A2ML1-related condition.

Allele frequency attached by ClinVar (database versions not stated): gnomAD 0.00001; gnomAD exomes 0.00001 and 0.00002; ExAC 0.00002; TOPMed 0.00004.
gnomAD v4.1: 25 of 1,614,086 alleles (0.0015%); highest among the groups gnomAD compares: Non-Finnish European, 0.0015%; no homozygotes.

Submissions (4):

Labcorp Genetics (formerly Invitae), Labcorp
Classification: Uncertain significance. Last evaluated: 2025-11-05. Review status: criteria provided, single submitter. Criteria: Invitae Variant Classification Sherloc (09022015). Collection method: clinical testing. Allele origin: germline.
Comment: This sequence change replaces alanine, which is neutral and non-polar, with valine, which is neutral and non-polar, at codon 759 of the A2ML1 protein (p.Ala759Val). This variant is present in population databases (rs774472456, gnomAD 0.004%). This variant has not been reported in the literature in individuals affected with A2ML1-related conditions. ClinVar contains an entry for this variant (Variation ID: 1036159). An algorithm developed to predict the effect of missense changes on protein structure and function (PolyPhen-2) suggests that this variant is likely to be tolerated. In summary, the available evidence is currently insufficient to determine the role of this variant in disease. Therefore, it has been classified as a Variant of Uncertain Significance.

Ambry Genetics
Classification: Uncertain significance. Last evaluated: 2025-04-10. Review status: criteria provided, single submitter. Criteria: Ambry Variant Classification Scheme 2023. Collection method: clinical testing. Allele origin: germline.

Women's Health and Genetics/Laboratory Corporation of America, LabCorp
Classification: Uncertain significance. Last evaluated: 2023-01-30. Review status: criteria provided, single submitter. Criteria: LabCorp Variant Classification Summary - May 2015. Collection method: clinical testing. Allele origin: germline.

PreventionGenetics, part of Exact Sciences
Classification: Uncertain significance for A2ML1-related condition. Last evaluated: 2024-02-23. Review status: no assertion criteria provided. Collection method: clinical testing. Allele origin: germline. Not counted in ClinVar's aggregate classification.
Comment: The A2ML1 c.2276C>T variant is predicted to result in the amino acid substitution p.Ala759Val. To our knowledge, this variant has not been reported in the literature. This variant is reported in 0.0046% of alleles in individuals of European (Finnish) descent in gnomAD. At this time, the clinical significance of this variant is uncertain due to the absence of conclusive functional and genetic evidence.